The following is an entry in ClinVar:

NM_000540.3(RYR1):c.8843del (p.Ser2948fs)

Gene: RYR1 (ryanodine receptor 1; plus strand). Cytogenetic location: 19q13.2.
Variant type: Deletion.
Coding change: c.8843del on transcript NM_000540.3 (MANE Select); coding-DNA position 8843, one base deleted (C; older notation c.8843delC).
Protein change: p.Ser2948fs; shifts the reading frame from serine 2948.
Molecular consequence: frameshift variant.
Genome position (GRCh38, 1-based): chr19:38,507,738, C deleted. VCF-style (leftmost placement, unchanged base first): chr19-38507737-TC-T. GRCh37 (hg19) VCF-style: chr19-38998377-TC-T.
Other names: c.8843del, p.Ser2948fs (NM_001042723.2); c.8843delC (NM_000540.2); short protein forms S2948fs.
Identifiers: ClinVar variation 1074272 (VCV001074272.14), dbSNP rs765921831, ClinGen allele CA072846.

ClinVar aggregate classification (germline): Conflicting classifications of pathogenicity. Review status: criteria provided, conflicting classifications (1 of 4 stars). 7 submissions from 7 submitters: Pathogenic (5); Uncertain significance (2). Last evaluated 2025-11-26.

Conditions:
RYR1-related disorder. Also called: RYR1-related condition; RYR1-related disorders. Identifiers: MedGen CN239331.
Malignant hyperthermia, susceptibility to, 1 (MHS1). Also called: Malignant hyperthermia suceptibility 1; RYR1-Related Malignant Hyperthermia Susceptibility; Anesthesia related hyperthermia; Malignant hyperpyrexia; Fulminating hyperpyrexia; Pharmacogenic myopathy. Identifiers: Orphanet 423, MedGen C2930980, MONDO:0007783, OMIM 145600.
Congenital multicore myopathy with external ophthalmoplegia (CMYO1B). Also called: MULTIMINICORE DISEASE WITH EXTERNAL OPHTHALMOPLEGIA; Congenital myopathy 1B, autosomal recessive; Minicore myopathy; Minicore myopathy with external ophthalmoplegia; MULTICORE MYOPATHY. Identifiers: Orphanet 598, Orphanet 98905, MedGen C1850674, MONDO:0009712, OMIM 255320, HP:0003789.

Allele frequency attached by ClinVar (database versions not stated): ExAC 0.00001; gnomAD exomes 0.00001 and 0.00002.

Submissions (7):

Variantyx, Inc.
Classification: Pathogenic for Congenital multicore myopathy with external ophthalmoplegia. Last evaluated: 2025-11-26. Review status: criteria provided, single submitter. Criteria: Variantyx Assertion Criteria 2022. Collection method: clinical testing. Allele origin: germline. Inheritance: Autosomal recessive inheritance.
Comment: This is a frameshift variant in the RYR1 gene (OMIM: 180901). Pathogenic variants in this gene have been associated with autosomal recessive congenital myopathy 1B. This variant introduces a premature termination codon in exon 58 out of 106 and is expected to result in loss of function, which is a known disease mechanism for RYR1 in this disorder (PMID:28818389)(PVS1). This variant has been observed to segregate with disease in at least 3 individuals from one family (PMID: 27616680) (PP1) and it has a 0.0027% maximum allele frequency in non-founder control populations. Based on the CSPEC guidelines, this variant is classified as pathogenic for autosomal recessive congenital myopathy 1B.No other variant of clinical significance was identified in the RYR1 gene.

Labcorp Genetics (formerly Invitae), Labcorp
Classification: Pathogenic for RYR1-related disorder. Last evaluated: 2025-11-15. Review status: criteria provided, single submitter. Criteria: Invitae Variant Classification Sherloc (09022015). Collection method: clinical testing. Allele origin: germline.
Comment: This sequence change creates a premature translational stop signal (p.Ser2948Cysfs*58) in the RYR1 gene. It is expected to result in an absent or disrupted protein product. Loss-of-function variants in RYR1 are known to be pathogenic (PMID: 23919265, 25960145, 28818389, 30611313). This variant is present in population databases (rs765921831, gnomAD 0.002%). This premature translational stop signal has been observed in individual(s) with autosomal recessive myopathy (PMID: 27616680). ClinVar contains an entry for this variant (Variation ID: 1074272). For these reasons, this variant has been classified as Pathogenic.

Color Diagnostics, LLC DBA Color Health
Classification: Uncertain significance for Malignant hyperthermia, susceptibility to, 1. Last evaluated: 2025-09-04. Review status: criteria provided, single submitter. Criteria: ACMG Guidelines, 2015. Collection method: clinical testing. Allele origin: germline.
Comment: This variant deletes 1 nucleotide in exon 58 of the RYR1 gene, creating a frameshift and premature translation stop signal. This variant is expected to result in an absent or non-functional protein product. To our knowledge, this variant has not been reported in individuals affected with autosomal dominant malignant hyperthermia in the literature. This variant has been identified in 2/251482 chromosomes in the general population by the Genome Aggregation Database (gnomAD). Loss of RYR1 function due to truncation variants is not an established disease mechanism for autosomal dominant malignant hyperthermia. The available evidence is insufficient to determine the role of this variant in malignant hyperthermia conclusively. Therefore, this variant is classified as a Variant of Uncertain Significance.

PreventionGenetics, part of Exact Sciences
Classification: Pathogenic for RYR1-related condition. Last evaluated: 2024-12-02. Review status: criteria provided, single submitter. Criteria: ACMG Guidelines, 2015. Collection method: clinical testing. Allele origin: germline.
Comment: The RYR1 c.8843delC variant is predicted to result in a frameshift and premature protein termination (p.Ser2948Cysfs*58). This variant has been reported in the compound heterozygous state in three fetuses with lethal fetal akinesia syndrome from a single family (Casey et al. 2016. PubMed ID: 27616680). This variant is reported in 0.0018% of alleles in individuals of European (Non-Finnish) descent in gnomAD. Loss-of-function variants, including frameshift, splicing, and nonsense variants have only been observed for the autosomal recessive myopathy phenotype and are expected to be pathogenic for this phenotype. Loss-of-function variants are not established for autosomal dominant malignant hyperthermia. Taken together, this variant is interpreted as pathogenic for autosomal recessive RYR1-related disorders and interpreted as uncertain for autosomal dominant malignant hyperthermia.

All of Us Research Program, National Institutes of Health
Classification: Uncertain significance for Malignant hyperthermia, susceptibility to, 1. Last evaluated: 2024-08-30. Review status: criteria provided, single submitter. Criteria: ACMG Guidelines, 2015. Collection method: clinical testing. Allele origin: germline. Inheritance: Autosomal dominant inheritance. Observed: 4 variant alleles, 4 heterozygotes.
Comment: This variant deletes 1 nucleotide in exon 58 of the RYR1 gene, creating a frameshift and premature translation stop signal. This variant is expected to result in an absent or non-functional protein product. To our knowledge, this variant has not been reported in individuals affected with autosomal dominant malignant hyperthermia in the literature. This variant has been observed in compound heterozygous state with another RYR1 variant in three fetuses from a single family affected with lethal myopathy (PMID: 27616680). This variant has been identified in 2/251482 chromosomes in the general population by the Genome Aggregation Database (gnomAD). Loss of RYR1 function due to truncation variants is not an established disease mechanism for autosomal dominant malignant hyperthermia. The available evidence is insufficient to determine the role of this variant in malignant hyperthermia conclusively. Therefore, this variant is classified as a Variant of Uncertain Significance.

This study involves interpretation of variants in research participants for the purpose of population health screening. Participant phenotype was not available at the time of variant classification. Additional details can be found in publication PMID: 35346344, PMCID: PMC8962531

Blueprint Genetics
Classification: Pathogenic for RYR1-related disorders. Last evaluated: 2024-04-15. Review status: criteria provided, single submitter. Criteria: ACMG Guidelines, 2015. Collection method: clinical testing. Allele origin: germline. Affected: yes. Observed: 2 variant alleles.

Revvity Omics, Revvity
Classification: Pathogenic. Last evaluated: 2024-02-19. Review status: criteria provided, single submitter. Criteria: ACMG Guidelines, 2015. Collection method: clinical testing. Allele origin: germline.

Literature cited by the submitters: PubMed 27616680 (cited by 3 submitters); PubMed 28818389 (cited by Variantyx, Inc. and Labcorp Genetics (formerly Invitae), Labcorp); PubMed 23919265 (cited by Labcorp Genetics (formerly Invitae), Labcorp); PubMed 25960145 (cited by Labcorp Genetics (formerly Invitae), Labcorp); PubMed 30611313 (cited by Labcorp Genetics (formerly Invitae), Labcorp).